The following is an entry in ClinVar:

ClinVar aggregate classification (germline): Uncertain significance (1 of 4 stars; one submission).

Conditions:
Early Myoclonic Encephalopathy. Identifiers: MedGen C0270855.

Allele frequency attached by ClinVar (database versions not stated): gnomAD 0.00001.
gnomAD v4.1: 1 of 1,613,872 alleles (0.000062%); highest among the groups gnomAD compares: African/African-American, 0.0013%; no homozygotes.

Submission:

Labcorp Genetics (formerly Invitae), Labcorp
Classification: Uncertain significance for Early Myoclonic Encephalopathy. Last evaluated: 2022-02-09. Review status: criteria provided, single submitter. Criteria: Invitae Variant Classification Sherloc (09022015). Collection method: clinical testing. Allele origin: germline.
Comment: In summary, the available evidence is currently insufficient to determine the role of this variant in disease. Therefore, it has been classified as a Variant of Uncertain Significance. Algorithms developed to predict the effect of missense changes on protein structure and function output the following: SIFT: "Tolerated"; PolyPhen-2: "Benign"; Align-GVGD: "Class C0". The lysine amino acid residue is found in multiple mammalian species, which suggests that this missense change does not adversely affect protein function. This variant has not been reported in the literature in individuals affected with JMJD1C-related conditions. This variant is present in population databases (no rsID available, gnomAD 0.01%). This sequence change replaces arginine, which is basic and polar, with lysine, which is basic and polar, at codon 2040 of the JMJD1C protein (p.Arg2040Lys).

NM_032776.3(JMJD1C):c.6119G>A (p.Arg2040Lys)

Gene: JMJD1C (jumonji domain containing 1C; minus strand). Cytogenetic location: 10q21.3.
Variant type: single nucleotide variant.
Coding change: c.6119G>A on transcript NM_032776.3 (MANE Select); coding-DNA position 6119, G replaced by A.
Protein change: p.Arg2040Lys; replaces arginine 2040 with lysine.
Molecular consequence: missense variant. On other transcripts: non-coding transcript variant (1).
Genome position (GRCh38, 1-based): chr10:63,191,066, C>T on the plus strand (G>A on the coding strand, the complement: JMJD1C is on the minus strand). VCF-style: chr10-63191066-C-T. GRCh37 (hg19) VCF-style: chr10-64950826-C-T.
Other names: c.5573G>A, p.Arg1858Lys (NM_001282948.2, NM_001318154.2); c.5255G>A, p.Arg1752Lys (NM_001318153.2); c.6005G>A, p.Arg2002Lys (NM_001322252.2); c.5462G>A, p.Arg1821Lys (NM_001322254.2, NM_001322258.2); short protein forms R2002K, R2040K, R1821K, R1858K, R1752K.
Identifiers: ClinVar variation 1507743 (VCV001507743.6), dbSNP rs1450486764, ClinGen allele CA377025095.
Genomic context (GRCh38, chr10:63,191,066, plus strand): 5'-TTATTCTGGGACACAAGAGGTGATGTTCTGCCATTTGGAGATTCAGAGTTGTCTTGTTCT[C>T]TTTCTTCTTTAATTTGGTTTTCAAGGGTAAGTTCTTTGTTTTCTGAAATAGAAAATTTCA-3'
Protein context (NP_116165.1, residues 2030-2050): LTLENQIKEE[Arg2040Lys]EQDNSESPNG